The following is an entry in ClinVar:

NM_005051.3(QARS1):c.1453G>C (p.Gly485Arg)

Gene: QARS1 (glutaminyl-tRNA synthetase 1; minus strand). Cytogenetic location: 3p21.31.
Variant type: single nucleotide variant.
Coding change: c.1453G>C on transcript NM_005051.3 (MANE Select); coding-DNA position 1453, G replaced by C.
Protein change: p.Gly485Arg; replaces glycine 485 with arginine.
Molecular consequence: missense variant. On other transcripts: non-coding transcript variant (1).
Genome position (GRCh38, 1-based): chr3:49,099,583, C>G on the plus strand (G>C on the coding strand, the complement: QARS1 is on the minus strand). VCF-style: chr3-49099583-C-G. GRCh37 (hg19) VCF-style: chr3-49137016-C-G.
Other names: c.1420G>C, p.Gly474Arg (NM_001272073.2); short protein forms G485R, G474R.
Identifiers: ClinVar variation 240090 (VCV000240090.10), dbSNP rs878854751, ClinGen allele CA10582197.

ClinVar aggregate classification (germline): Uncertain significance (1 of 4 stars; one submission).

Conditions:
Diffuse cerebral and cerebellar atrophy - intractable seizures - progressive microcephaly syndrome. Also called: Microcephaly, progressive, with seizures and cerebral and cerebellar atrophy. Identifiers: Orphanet 404437, MedGen C4014239, MONDO:0014335, OMIM 615760.

Allele frequency attached by ClinVar (database versions not stated): gnomAD exomes below 0.00001.

Submission:

Labcorp Genetics (formerly Invitae), Labcorp
Classification: Uncertain significance for Diffuse cerebral and cerebellar atrophy - intractable seizures - progressive microcephaly syndrome. Last evaluated: 2020-01-28. Review status: criteria provided, single submitter. Criteria: Invitae Variant Classification Sherloc (09022015). Collection method: clinical testing. Allele origin: germline.
Comment: This sequence change replaces glycine with arginine at codon 485 of the QARS protein (p.Gly485Arg). The glycine residue is highly conserved and there is a moderate physicochemical difference between glycine and arginine. This variant is not present in population databases (ExAC no frequency). This variant has not been reported in the literature in individuals with QARS-related conditions. ClinVar contains an entry for this variant (Variation ID: 240090). Algorithms developed to predict the effect of missense changes on protein structure and function (SIFT, PolyPhen-2, Align-GVGD) all suggest that this variant is likely to be disruptive, but these predictions have not been confirmed by published functional studies and their clinical significance is uncertain. In summary, the available evidence is currently insufficient to determine the role of this variant in disease. Therefore, it has been classified as a Variant of Uncertain Significance.